The following is an entry in ClinVar:

ClinVar aggregate classification (germline): Conflicting classifications of pathogenicity. Review status: criteria provided, conflicting classifications (1 of 4 stars). 5 submissions from 5 submitters: Uncertain significance (4); Likely benign (1). Last evaluated 2025-11-07.

Conditions:
Hereditary cancer-predisposing syndrome. Also called: Neoplastic Syndromes, Hereditary; Hereditary Cancer Syndrome; Hereditary neoplastic syndrome; Tumor predisposition. Identifiers: Orphanet 140162, MedGen C0027672, MeSH D009386, MONDO:0015356.
Hereditary breast ovarian cancer syndrome. Also called: Hereditary breast and ovarian cancer syndrome (HBOC); Hereditary breast and ovarian cancer syndrome; Breast and ovarian cancer; BRCA1- and BRCA2-Associated Hereditary Breast and Ovarian Cancer; Hereditary breast and ovarian cancer; Hereditary breast and/or ovarian cancer syndrome. Identifiers: Orphanet 145, MedGen C0677776, MeSH D061325, MONDO:0003582. Disease mechanism: loss of function.

Allele frequency attached by ClinVar (database versions not stated): gnomAD exomes below 0.00001 and 0.00001.

Submissions (5):

Quest Diagnostics Nichols Institute San Juan Capistrano
Classification: Uncertain significance. Last evaluated: 2025-11-07. Review status: criteria provided, single submitter. Criteria: Quest Diagnostics criteria. Collection method: clinical testing. Allele origin: unknown.
Comment: The BRCA2 c.7472A>G (p.Gln2491Arg) variant has not been reported in individuals with BRCA2-related conditions in the published literature. This variant showed benign effects in saturation genome editing assays measuring DNA repair-dependent cell survival (PMIDs: 39779848 (2025)). The frequency of this variant in the general population (Genome Aggregation Database) is uninformative in the assessment of its pathogenicity. Analysis of this variant using bioinformatics tools for the prediction of the effect of amino acid changes on protein structure and function yielded predictions that this variant is damaging. Based on the available information, we are unable to determine the clinical significance of this variant.

Labcorp Genetics (formerly Invitae), Labcorp
Classification: Uncertain significance for Hereditary breast ovarian cancer syndrome. Last evaluated: 2023-06-24. Review status: criteria provided, single submitter. Criteria: Invitae Variant Classification Sherloc (09022015). Collection method: clinical testing. Allele origin: germline.
Comment: In summary, the available evidence is currently insufficient to determine the role of this variant in disease. Therefore, it has been classified as a Variant of Uncertain Significance. Advanced modeling of protein sequence and biophysical properties (such as structural, functional, and spatial information, amino acid conservation, physicochemical variation, residue mobility, and thermodynamic stability) performed at Invitae indicates that this missense variant is not expected to disrupt BRCA2 protein function. ClinVar contains an entry for this variant (Variation ID: 479282). This variant has not been reported in the literature in individuals affected with BRCA2-related conditions. This variant is present in population databases (rs185012573, gnomAD 0.006%). This sequence change replaces glutamine, which is neutral and polar, with arginine, which is basic and polar, at codon 2491 of the BRCA2 protein (p.Gln2491Arg).

GeneDx
Classification: Uncertain significance. Last evaluated: 2023-03-17. Review status: criteria provided, single submitter. Criteria: GeneDx Variant Classification Process June 2021. Collection method: clinical testing. Allele origin: germline. Affected: yes.
Comment: Not observed at significant frequency in large population cohorts (gnomAD); In silico analysis supports that this missense variant does not alter protein structure/function; Has not been previously published as pathogenic or benign to our knowledge; Also known as 7700A>G; This variant is associated with the following publications: (PMID: 31191615, 29884841, 32377563, 31911673, 12228710)

Ambry Genetics
Classification: Likely benign for Hereditary cancer-predisposing syndrome. Last evaluated: 2022-01-03. Review status: criteria provided, single submitter. Criteria: Ambry Variant Classification Scheme 2023. Collection method: clinical testing. Allele origin: germline.

Women's Health and Genetics/Laboratory Corporation of America, LabCorp
Classification: Uncertain significance. Last evaluated: 2018-08-13. Review status: criteria provided, single submitter. Criteria: LabCorp Variant Classification Summary - May 2015. Collection method: clinical testing. Allele origin: germline.
Comment: Variant summary: BRCA2 c.7472A>G (p.Gln2491Arg) results in a conservative amino acid change located in the helical domain (IPR015252) of the encoded protein sequence. Four of five in-silico tools predict a damaging effect of the variant on protein function. The variant allele was found at a frequency of 8.1e-06 in 246218 control chromosomes (gnomAD). The available data on variant occurrences in the general population are insufficient to allow any conclusion about variant significance. To our knowledge, no occurrence of c.7472A>G in individuals affected with Hereditary Breast and Ovarian Cancer and no experimental evidence demonstrating its impact on protein function have been reported. One clinical diagnostic laboratory has submitted clinical-significance assessments for this variant to ClinVar after 2014 without evidence for independent evaluation and classified the variant as uncertain significance. Based on the evidence outlined above, the variant was classified as uncertain significance.

Literature cited by the submitters: PubMed 32444794 (cited by Quest Diagnostics Nichols Institute San Juan Capistrano); PubMed 39779848 (cited by Quest Diagnostics Nichols Institute San Juan Capistrano); PubMed 31911673 (cited by Quest Diagnostics Nichols Institute San Juan Capistrano).

NM_000059.4(BRCA2):c.7472A>G (p.Gln2491Arg)

Gene: BRCA2 (BRCA2 DNA repair associated; plus strand). Cytogenetic location: 13q13.1.
Variant type: single nucleotide variant.
Coding change: c.7472A>G on transcript NM_000059.4 (MANE Select); coding-DNA position 7472, A replaced by G.
Protein change: p.Gln2491Arg; replaces glutamine 2491 with arginine.
Molecular consequence: missense variant.
Genome position (GRCh38, 1-based): chr13:32,356,464, A>G. VCF-style: chr13-32356464-A-G. GRCh37 (hg19) VCF-style: chr13-32930601-A-G.
Other names: short protein forms Q2491R.
Identifiers: ClinVar variation 479282 (VCV000479282.17), dbSNP rs185012573, ClinGen allele CA247469683.